The following is an entry in ClinVar:

ClinVar aggregate classification (germline): Pathogenic/Likely pathogenic. Review status: criteria provided, multiple submitters, no conflicts (2 of 4 stars). 5 submissions from 5 submitters: Pathogenic (1); Likely pathogenic (4). Last evaluated 2025-06-24.

Conditions:
Biotinidase deficiency. Also called: BTD deficiency; Late-onset biotin-responsive multiple carboxylase deficiency; Biotin deficiency. Identifiers: Orphanet 79241, MedGen C0220754, MONDO:0009665, OMIM 253260.

Allele frequency attached by ClinVar (database versions not stated): gnomAD below 0.00001 and 0.00001; gnomAD exomes 0.00001.
gnomAD v4.1: 4 of 1,614,034 alleles (0.00025%); highest among the groups gnomAD compares: South Asian, 0.0044%; no homozygotes.

Submissions (5):

Women's Health and Genetics/Laboratory Corporation of America, LabCorp
Classification: Likely pathogenic for Biotinidase deficiency. Last evaluated: 2025-06-24. Review status: criteria provided, single submitter. Criteria: LabCorp Variant Classification Summary - May 2015. Collection method: clinical testing. Allele origin: germline.
Comment: Variant summary: BTD c.835G>C (p.Ala279Pro) results in a non-conservative amino acid change located in the Carbon-nitrogen hydrolase domain (IPR003010) of the encoded protein sequence. Algorithms developed to predict the effect of missense changes on protein structure and function all suggest that this variant is likely to be disruptive. The variant allele was found at a frequency of 8e-06 in 251396 control chromosomes. c.835G>C has been observed in individual(s) affected with Biotinidase Deficiency (Procter_2016, Kannan_2023, internal data). These data indicate that the variant is likely to be associated with disease. To our knowledge, no experimental evidence demonstrating an impact on protein function has been reported. The following publications have been ascertained in the context of this evaluation (PMID: 36684547, 26810761, 27329734). ClinVar contains an entry for this variant (Variation ID: 439039). Based on the evidence outlined above, the variant was classified as likely pathogenic.

Fulgent Genetics
Classification: Likely pathogenic for Biotinidase deficiency. Last evaluated: 2024-05-06. Review status: criteria provided, single submitter. Criteria: ACMG Guidelines, 2015. Collection method: clinical testing. Allele origin: germline.

Labcorp Genetics (formerly Invitae), Labcorp
Classification: Pathogenic for Biotinidase deficiency. Last evaluated: 2024-02-25. Review status: criteria provided, single submitter. Criteria: Invitae Variant Classification Sherloc (09022015). Collection method: clinical testing. Allele origin: germline.
Comment: This sequence change replaces alanine, which is neutral and non-polar, with proline, which is neutral and non-polar, at codon 299 of the BTD protein (p.Ala299Pro). This variant is present in population databases (no rsID available, gnomAD 0.006%). This missense change has been observed in individual(s) with biotinidase deficiency (PMID: 26810761; Invitae). In at least one individual the data is consistent with being in trans (on the opposite chromosome) from a pathogenic variant. It has also been observed to segregate with disease in related individuals. ClinVar contains an entry for this variant (Variation ID: 439039). Advanced modeling of protein sequence and biophysical properties (such as structural, functional, and spatial information, amino acid conservation, physicochemical variation, residue mobility, and thermodynamic stability) performed at Invitae indicates that this missense variant is expected to disrupt BTD protein function with a positive predictive value of 95%. This variant disrupts the p.Ala299 amino acid residue in BTD. Other variant(s) that disrupt this residue have been observed in individuals with BTD-related conditions (PMID: 10394193), which suggests that this may be a clinically significant amino acid residue. For these reasons, this variant has been classified as Pathogenic.

Baylor Genetics
Classification: Likely pathogenic for Biotinidase deficiency. Last evaluated: 2023-11-24. Review status: criteria provided, single submitter. Criteria: ACMG Guidelines, 2015. Collection method: clinical testing. Allele origin: unknown.

Quest Diagnostics Nichols Institute San Juan Capistrano
Classification: Likely pathogenic. Last evaluated: 2016-11-10. Review status: criteria provided, single submitter. Criteria: Quest Diagnostics criteria. Collection method: clinical testing. Allele origin: germline.

Literature cited by the submitters: PubMed 27329734 (cited by Women's Health and Genetics/Laboratory Corporation of America, LabCorp and Quest Diagnostics Nichols Institute San Juan Capistrano); PubMed 26810761 (cited by 3 submitters); PubMed 36684547 (cited by Women's Health and Genetics/Laboratory Corporation of America, LabCorp); PubMed 10394193 (cited by Labcorp Genetics (formerly Invitae), Labcorp).

NM_001370658.1(BTD):c.835G>C (p.Ala279Pro)

Gene: BTD (biotinidase; plus strand). Cytogenetic location: 3p25.1.
Variant type: single nucleotide variant.
Coding change: c.835G>C on transcript NM_001370658.1 (MANE Select); coding-DNA position 835, G replaced by C.
Protein change: p.Ala279Pro; replaces alanine 279 with proline.
Molecular consequence: missense variant. On other transcripts: intron variant (1).
Genome position (GRCh38, 1-based): chr3:15,644,751, G>C. VCF-style: chr3-15644751-G-C. GRCh37 (hg19) VCF-style: chr3-15686258-G-C.
Other names: c.895G>C, p.Ala299Pro (NM_000060.4); c.835G>C, p.Ala279Pro (NM_001281723.4, NM_001281724.3, NM_001281725.3 and 18 more transcripts); c.399+2694G>C (NM_001370753.1); short protein forms A279P.
Identifiers: ClinVar variation 439039 (VCV000439039.18), dbSNP rs1157567876, ClinGen allele CA351607446.
Genomic context (GRCh38, chr3:15,644,751, plus strand): 5'-TTGGCAGCAATTGAGATTCAGAAAGCTTTTGCTGTTGCCTTTGGCATCAACGTTCTGGCA[G>C]CTAATGTCCACCACCCAGTTCTGGGGATGACAGGAAGTGGCATACACACCCCTCTGGAGT-3'
Protein context (NP_001357587.1, residues 269-289): AVAFGINVLA[Ala279Pro]NVHHPVLGMT